The following is an entry in ClinVar:

ClinVar aggregate classification (germline): Uncertain significance (1 of 4 stars; one submission).

Conditions:
Cardiovascular phenotype. Identifiers: MedGen CN230736.

Submission:

Ambry Genetics
Classification: Uncertain significance for Cardiovascular phenotype. Last evaluated: 2025-03-23. Review status: criteria provided, single submitter. Criteria: Ambry Variant Classification Scheme 2023. Collection method: clinical testing. Allele origin: germline.
Comment: The p.L27H variant (also known as c.80T>A), located in coding exon 1 of the LCAT gene, results from a T to A substitution at nucleotide position 80. The leucine at codon 27 is replaced by histidine, an amino acid with similar properties. This amino acid position is conserved. In addition, this alteration is predicted to be deleterious by in silico analysis. Based on the available evidence, the clinical significance of this variant remains unclear.

NM_000229.2(LCAT):c.80T>A (p.Leu27His)

Genes: LCAT (lecithin-cholesterol acyltransferase; minus strand), SLC12A4 (solute carrier family 12 member 4; minus strand). Cytogenetic location: 16q22.1.
Variant type: single nucleotide variant.
Coding change: c.80T>A on transcript NM_000229.2 (MANE Select); coding-DNA position 80, T replaced by A.
Protein change: p.Leu27His; replaces leucine 27 with histidine.
Molecular consequence: missense variant. On other transcripts: 3 prime UTR variant (5).
Genome position (GRCh38, 1-based): chr16:67,944,022, A>T on the plus strand (T>A on the coding strand, the complement: LCAT is on the minus strand). VCF-style: chr16-67944022-A-T. GRCh37 (hg19) VCF-style: chr16-67977925-A-T.
Other names: c.*818T>A (NM_001145961.2, NM_001145962.1, NM_001145963.2 and 2 more transcripts); short protein forms L27H.
Identifiers: ClinVar variation 4046466 (VCV004046466.1).